The following is an entry in ClinVar:

ClinVar aggregate classification (germline): Uncertain significance (1 of 4 stars; one submission).

Allele frequency attached by ClinVar (database versions not stated): TOPMed 0.00001.

Submission:

GeneDx
Classification: Uncertain significance. Last evaluated: 2026-01-15. Review status: criteria provided, single submitter. Criteria: GeneDx Variant Classification Process June 2021. Collection method: clinical testing. Allele origin: germline.
Comment: Not observed at significant frequency in large population cohorts (gnomAD); In silico analysis supports that this missense variant has a deleterious effect on protein structure/function; Has not been previously published as pathogenic or benign to our knowledge

NM_001099922.3(ALG13):c.3246T>G (p.Phe1082Leu)

Gene: ALG13 (ALG13 UDP-N-acetylglucosaminyltransferase subunit; plus strand). Cytogenetic location: Xq23.
Variant type: single nucleotide variant.
Coding change: c.3246T>G on transcript NM_001099922.3 (MANE Select); coding-DNA position 3246, T replaced by G.
Protein change: p.Phe1082Leu; replaces phenylalanine 1082 with leucine.
Molecular consequence: missense variant. On other transcripts: non-coding transcript variant (1).
Genome position (GRCh38, 1-based): chrX:111,759,831, T>G. VCF-style: chrX-111759831-T-G. GRCh37 (hg19) VCF-style: chrX-111003059-T-G.
Other names: c.2697T>G, p.Phe899Leu (NM_001257230.2, NM_001257234.2, NM_001257237.2); c.3012T>G, p.Phe1004Leu (NM_001257231.2); c.3009T>G, p.Phe1003Leu (NM_001324292.2); c.2523T>G, p.Phe841Leu (NM_001324293.1); short protein forms F1003L, F1004L, F1082L, F841L, F899L.
Identifiers: ClinVar variation 2500473 (VCV002500473.2), dbSNP rs1945595255, ClinGen allele CA414293314.